The following is an entry in ClinVar:

NM_000059.4(BRCA2):c.6321del (p.Arg2108fs)

Gene: BRCA2 (BRCA2 DNA repair associated; plus strand). Cytogenetic location: 13q13.1.
Variant type: Deletion.
Coding change: c.6321del on transcript NM_000059.4 (MANE Select); coding-DNA position 6321, one base deleted (T; older notation c.6321delT).
Protein change: p.Arg2108fs; shifts the reading frame from arginine 2108.
Molecular consequence: frameshift variant. On other transcripts: non-coding transcript variant (1), intron variant (2).
Genome position (GRCh38, 1-based): chr13:32,340,676, T deleted. VCF-style (leftmost placement, unchanged base first): chr13-32340675-CT-C. GRCh37 (hg19) VCF-style: chr13-32914812-CT-C.
Other names: c.6321del, p.Arg2108fs (NM_001406719.1, NM_001406720.1, NM_001432077.1); c.1910-3882del (NM_001406721.1); c.425-3882del (NM_001406722.1); short protein forms R2108fs.
Identifiers: ClinVar variation 4071429 (VCV004071429.1).

ClinVar aggregate classification (germline): Pathogenic (1 of 4 stars; one submission).

Conditions:
Breast-ovarian cancer, familial, susceptibility to, 2 (BROVCA2). Also called: BRCA2 Hereditary Breast and Ovarian Cancer. Identifiers: Orphanet 145, MedGen C2675520, MONDO:0012933, OMIM 612555. Disease mechanism: loss of function.

Submission:

Myriad Genetics, Inc.
Classification: Pathogenic for Breast-ovarian cancer, familial, susceptibility to, 2. Last evaluated: 2025-06-16. Review status: criteria provided, single submitter. Criteria: Myriad Autosomal Dominant, Autosomal Recessive and X-Linked Classification Criteria (2023). Collection method: clinical testing. Allele origin: unknown.
Comment: This variant is considered pathogenic. This variant creates a frameshift predicted to result in premature protein truncation.